The following is an entry in ClinVar:

ClinVar aggregate classification (germline): Benign (0 of 4 stars; one submission).

Conditions:
CFAP57-related disorder. Also called: CFAP57-related condition.

Allele frequency attached by ClinVar (database versions not stated): ESP Exome Variant Server 0.00015; gnomAD 0.00031.
gnomAD v4.1: 368 of 1,614,020 alleles (0.023%); highest among the groups gnomAD compares: Non-Finnish European, 0.0038%; 1 homozygote.

Submission:

PreventionGenetics, part of Exact Sciences
Classification: Benign for CFAP57-related condition. Last evaluated: 2019-10-14. Review status: no assertion criteria provided. Collection method: clinical testing. Allele origin: germline.
Comment: This variant is classified as benign based on ACMG/AMP sequence variant interpretation guidelines (Richards et al. 2015 PMID: 25741868, with internal and published modifications).

NM_001378189.1(CFAP57):c.375G>C (p.Gln125His)

Genes: CFAP57 (cilia and flagella associated protein 57; plus strand), EBNA1BP2 (EBNA1 binding protein 2; minus strand), LOC105378685 (uncharacterized LOC105378685; minus strand). Cytogenetic location: 1p34.2.
Variant type: single nucleotide variant.
Coding change: c.375G>C on transcript NM_001378189.1 (MANE Select); coding-DNA position 375, G replaced by C.
Protein change: p.Gln125His; replaces glutamine 125 with histidine.
Molecular consequence: missense variant.
Genome position (GRCh38, 1-based): chr1:43,181,751, G>C. VCF-style: chr1-43181751-G-C. GRCh37 (hg19) VCF-style: chr1-43647422-G-C.
Other names: c.375G>C, p.Gln125His (NM_001167965.1, NM_001195831.3, NM_152498.3); short protein forms Q125H.
Identifiers: ClinVar variation 3040861 (VCV003040861.2), dbSNP rs142849148, ClinGen allele CA804361.